The following is an entry in ClinVar:

NM_000388.4(CASR):c.493-2A>G

Gene: CASR (calcium sensing receptor; plus strand). Cytogenetic location: 3q21.1.
Variant type: single nucleotide variant.
Coding change: c.493-2A>G on transcript NM_000388.4 (MANE Select); the canonical splice acceptor site of the intron before coding-DNA position 493, A replaced by G.
Molecular consequence: splice acceptor variant.
Genome position (GRCh38, 1-based): chr3:122,261,526, A>G. VCF-style: chr3-122261526-A-G. GRCh37 (hg19) VCF-style: chr3-121980373-A-G.
Other names: c.493-2A>G (NM_001178065.2).
Identifiers: ClinVar variation 652806 (VCV000652806.9), dbSNP rs1576857818, ClinGen allele CA354150701.

ClinVar aggregate classification (germline): Likely pathogenic (1 of 4 stars; one submission).

Conditions:
Autosomal dominant hypocalcemia 1 (HYPOC1). Also called: HYPOCALCEMIA, FAMILIAL. Identifiers: MedGen C3715128, MONDO:0011013, OMIM 601198.
Familial hypocalciuric hypercalcemia (FHH). Also called: Familial benign hypercalcemia. Identifiers: Orphanet 405, MedGen C1809471, MONDO:0018458.

Submission:

Labcorp Genetics (formerly Invitae), Labcorp
Classification: Likely pathogenic for Familial hypocalciuric hypercalcemia; Autosomal dominant hypocalcemia 1. Last evaluated: 2019-01-13. Review status: criteria provided, single submitter. Criteria: Invitae Variant Classification Sherloc (09022015). Collection method: clinical testing. Allele origin: germline.
Comment: This variant has not been reported in the literature in individuals with CASR-related disease. In summary, the currently available evidence indicates that the variant is pathogenic, but additional data are needed to prove that conclusively. Therefore, this variant has been classified as Likely Pathogenic. Donor and acceptor splice site variants typically lead to a loss of protein function (PMID: 16199547), and loss-of-function variants in CASR are known to be pathogenic (PMID: 22422767). This variant is not present in population databases (ExAC no frequency). This sequence change affects an acceptor splice site in intron 3 of the CASR gene. It is expected to disrupt RNA splicing and likely results in an absent or disrupted protein product.

Literature cited by the submitters: PubMed 16199547; PubMed 22422767.